The following is an entry in ClinVar:

ClinVar aggregate classification (germline): Uncertain significance (1 of 4 stars; one submission).

gnomAD v4.1: 3 of 1,612,382 alleles (0.00019%); highest among the groups gnomAD compares: Middle Eastern, 0.017%; no homozygotes.

Submission:

Labcorp Genetics (formerly Invitae), Labcorp
Classification: Uncertain significance. Last evaluated: 2022-09-13. Review status: criteria provided, single submitter. Criteria: Invitae Variant Classification Sherloc (09022015). Collection method: clinical testing. Allele origin: germline.
Comment: This sequence change replaces glycine, which is neutral and non-polar, with arginine, which is basic and polar, at codon 1438 of the RAI1 protein (p.Gly1438Arg). This variant is present in population databases (no rsID available, gnomAD 0.007%). This variant has not been reported in the literature in individuals affected with RAI1-related conditions. Advanced modeling of protein sequence and biophysical properties (such as structural, functional, and spatial information, amino acid conservation, physicochemical variation, residue mobility, and thermodynamic stability) performed at Invitae indicates that this missense variant is not expected to disrupt RAI1 protein function. In summary, the available evidence is currently insufficient to determine the role of this variant in disease. Therefore, it has been classified as a Variant of Uncertain Significance.

NM_030665.4(RAI1):c.4312G>C (p.Gly1438Arg)

Gene: RAI1 (retinoic acid induced 1; plus strand). Cytogenetic location: 17p11.2.
Variant type: single nucleotide variant.
Coding change: c.4312G>C on transcript NM_030665.4 (MANE Select); coding-DNA position 4312, G replaced by C.
Protein change: p.Gly1438Arg; replaces glycine 1438 with arginine.
Molecular consequence: missense variant.
Genome position (GRCh38, 1-based): chr17:17,797,260, G>C. VCF-style: chr17-17797260-G-C. GRCh37 (hg19) VCF-style: chr17-17700574-G-C.
Other names: short protein forms G1438R.
Identifiers: ClinVar variation 2079111 (VCV002079111.4), dbSNP rs769075860, ClinGen allele CA398556359.